The following is an entry in ClinVar:

NM_015040.4(PIKFYVE):c.2191-6A>T

Gene: PIKFYVE (phosphoinositide kinase, FYVE-type zinc finger containing; plus strand). Cytogenetic location: 2q34.
Variant type: single nucleotide variant.
Coding change: c.2191-6A>T on transcript NM_015040.4 (MANE Select); 6 bases into the intron before coding-DNA position 2191, A replaced by T.
Molecular consequence: intron variant.
Genome position (GRCh38, 1-based): chr2:208,324,136, A>T. VCF-style: chr2-208324136-A-T. GRCh37 (hg19) VCF-style: chr2-209188860-A-T.
Identifiers: ClinVar variation 895429 (VCV000895429.4), dbSNP rs758552809, ClinGen allele CA2079779.
Genomic context (GRCh38, chr2:208,324,136, plus strand): 5'-TGATATTTTAATATGTCCAGATACTGCATTTTACCAGGTGTAATATTTCTGATTTATCTT[A>T]CTTAGGAAAGGGAATTCTTGAAGAATTATGTCCAGCGAATAGTTGATGTTCGACCCACCT-3'

ClinVar aggregate classification (germline): Benign (1 of 4 stars; one submission).

Conditions:
Fleck corneal dystrophy (CFD). Also called: CORNEAL DYSTROPHY, FRANCOIS-NEETENS SPECKLED OR FLECKED. Identifiers: Orphanet 98970, MedGen C1562113, MONDO:0007376, OMIM 121850.

Allele frequency attached by ClinVar (database versions not stated): gnomAD below 0.00001 and 0.00004; TOPMed 0.00002; gnomAD exomes 0.00006 and 0.00016; ExAC 0.00016.
gnomAD v4.1: 96 of 1,612,364 alleles (0.006%); highest among the groups gnomAD compares: South Asian, 0.11%; no homozygotes.

Submission:

Illumina Laboratory Services, Illumina
Classification: Benign for Fleck corneal dystrophy. Last evaluated: 2018-01-13. Review status: criteria provided, single submitter. Criteria: ICSL Variant Classification Criteria 13 December 2019. Collection method: clinical testing. Allele origin: germline.
Comment: This variant was observed in the ICSL laboratory as part of a predisposition screen in an ostensibly healthy population. It had not been previously curated by ICSL or reported in the Human Gene Mutation Database (HGMD: prior to June 1st, 2018), and was therefore a candidate for classification through an automated scoring system. Utilizing variant allele frequency, disease prevalence and penetrance estimates, and inheritance mode, an automated score was calculated to assess if this variant is too frequent to cause the disease. Based on the score and internal cut-off values, a variant classified as benign is not then subjected to further curation. The score for this variant resulted in a classification of benign for this disease.